The following is an entry in ClinVar:

NM_001034853.2(RPGR):c.408T>A (p.Phe136Leu)

Gene: RPGR (retinitis pigmentosa GTPase regulator; minus strand). Cytogenetic location: Xp11.4.
Variant type: single nucleotide variant.
Coding change: c.408T>A on transcript NM_001034853.2 (MANE Select); coding-DNA position 408, T replaced by A.
Protein change: p.Phe136Leu; replaces phenylalanine 136 with leucine.
Molecular consequence: missense variant. On other transcripts: non-coding transcript variant (6).
Genome position (GRCh38, 1-based): chrX:38,318,890, A>T on the plus strand (T>A on the coding strand, the complement: RPGR is on the minus strand). VCF-style: chrX-38318890-A-T. GRCh37 (hg19) VCF-style: chrX-38178143-A-T.
Other names: c.408T>A, p.Phe136Leu (NM_000328.3, NM_001367245.1, NM_001367246.1 and 3 more transcripts); c.438T>A, p.Phe146Leu (NM_001367248.1); c.405T>A, p.Phe135Leu (NM_001367249.1); short protein forms F135L, F136L, F146L.
Identifiers: ClinVar variation 2127704 (VCV002127704.4), dbSNP rs2519894661, ClinGen allele CA412745117.

ClinVar aggregate classification (germline): Uncertain significance (1 of 4 stars; one submission).

Conditions:
Primary ciliary dyskinesia. Also called: Ciliary dyskinesia. Identifiers: Orphanet 244, MedGen C0008780, MONDO:0016575, HP:0012265.

Submission:

Labcorp Genetics (formerly Invitae), Labcorp
Classification: Uncertain significance for Primary ciliary dyskinesia. Last evaluated: 2022-04-24. Review status: criteria provided, single submitter. Criteria: Invitae Variant Classification Sherloc (09022015). Collection method: clinical testing. Allele origin: germline.
Comment: In summary, the available evidence is currently insufficient to determine the role of this variant in disease. Therefore, it has been classified as a Variant of Uncertain Significance. Algorithms developed to predict the effect of missense changes on protein structure and function (SIFT, PolyPhen-2, Align-GVGD) all suggest that this variant is likely to be tolerated. This variant has not been reported in the literature in individuals affected with RPGR-related conditions. This variant is not present in population databases (gnomAD no frequency). This sequence change replaces phenylalanine, which is neutral and non-polar, with leucine, which is neutral and non-polar, at codon 136 of the RPGR protein (p.Phe136Leu).